The following is an entry in ClinVar:

ClinVar aggregate classification (germline): Uncertain significance. Review status: criteria provided, multiple submitters, no conflicts (2 of 4 stars). 3 submissions from 3 submitters: Uncertain significance (3). Last evaluated 2024-06-22.

Conditions:
Inborn genetic diseases. Identifiers: MedGen C0950123, MeSH D030342.
Polydactyly, postaxial, type A1. Identifiers: MedGen C4282400, MONDO:0008266, OMIM 174200.
Polysyndactyly 4. Also called: Polysyndactyly uncomplicated; Preaxial polydactyly 4. Identifiers: Orphanet 93338, MedGen C1868111, MONDO:0008272, OMIM 174700.
Pallister-Hall syndrome (PHS). Also called: HYPOTHALAMIC HAMARTOBLASTOMA, HYPOPITUITARISM, IMPERFORATE ANUS, AND POSTAXIAL POLYDACTYLY; GLI3-Related Pallister-Hall Syndrome. Identifiers: Orphanet 672, MedGen C0265220, MONDO:0007804, OMIM 146510.
Greig cephalopolysyndactyly syndrome (GCPS). Also called: POLYSYNDACTYLY WITH PECULIAR SKULL SHAPE; Greig syndrome; GLI3-Related Greig Cephalopolysyndactyly Syndrome. Identifiers: Orphanet 380, MedGen C0265306, MONDO:0008287, OMIM 175700.

Allele frequency attached by ClinVar (database versions not stated): TOPMed 0.00002.

Submissions (3):

Fulgent Genetics
Classification: Uncertain significance for Pallister-Hall syndrome; Polydactyly, postaxial, type A1; Polysyndactyly 4; Greig cephalopolysyndactyly syndrome. Last evaluated: 2024-06-22. Review status: criteria provided, single submitter. Criteria: ACMG Guidelines, 2015. Collection method: clinical testing. Allele origin: germline.

GeneDx
Classification: Uncertain significance. Last evaluated: 2024-06-21. Review status: criteria provided, single submitter. Criteria: GeneDx Variant Classification Process June 2021. Collection method: clinical testing. Allele origin: germline. Affected: yes.
Comment: Not observed at significant frequency in large population cohorts (gnomAD); In silico analysis supports that this missense variant has a deleterious effect on protein structure/function; Has not been previously published as pathogenic or benign to our knowledge

Ambry Genetics
Classification: Uncertain significance for Inborn genetic diseases. Last evaluated: 2021-10-06. Review status: criteria provided, single submitter. Criteria: Ambry Variant Classification Scheme 2023. Collection method: clinical testing. Allele origin: germline.

NM_000168.6(GLI3):c.2678A>G (p.Asp893Gly)

Gene: GLI3 (GLI family zinc finger 3; minus strand). Cytogenetic location: 7p14.1.
Variant type: single nucleotide variant.
Coding change: c.2678A>G on transcript NM_000168.6 (MANE Select); coding-DNA position 2678, A replaced by G.
Protein change: p.Asp893Gly; replaces aspartic acid 893 with glycine.
Molecular consequence: missense variant.
Genome position (GRCh38, 1-based): chr7:41,966,395, T>C on the plus strand (A>G on the coding strand, the complement: GLI3 is on the minus strand). VCF-style: chr7-41966395-T-C. GRCh37 (hg19) VCF-style: chr7-42005993-T-C.
Other names: short protein forms D893G.
Identifiers: ClinVar variation 2253683 (VCV002253683.4), dbSNP rs1787184107, ClinGen allele CA367320579.